The following is an entry in ClinVar:

NM_001904.4(CTNNB1):c.1117C>A (p.Pro373Thr)

Gene: CTNNB1 (catenin beta 1; plus strand). Cytogenetic location: 3p22.1.
Variant type: single nucleotide variant.
Coding change: c.1117C>A on transcript NM_001904.4 (MANE Select); coding-DNA position 1117, C replaced by A.
Protein change: p.Pro373Thr; replaces proline 373 with threonine.
Molecular consequence: missense variant.
Genome position (GRCh38, 1-based): chr3:41,233,376, C>A. VCF-style: chr3-41233376-C-A. GRCh37 (hg19) VCF-style: chr3-41274867-C-A.
Other names: c.1117C>A, p.Pro373Thr (NM_001098209.2, NM_001098210.2); c.1096C>A, p.Pro366Thr (NM_001330729.2); short protein forms P366T, P373T.
Identifiers: ClinVar variation 2820391 (VCV002820391.4), dbSNP rs751567042, ClinGen allele CA352232061.

ClinVar aggregate classification (germline): Uncertain significance. Review status: criteria provided, multiple submitters, no conflicts (2 of 4 stars). 2 submissions from 2 submitters: Uncertain significance (2). Last evaluated 2022-12-12.

gnomAD v4.1: 4 of 1,614,152 alleles (0.00025%); highest among the groups gnomAD compares: Non-Finnish European, 0.00034%; no homozygotes.

Submissions (2):

Labcorp Genetics (formerly Invitae), Labcorp
Classification: Uncertain significance. Last evaluated: 2022-12-12. Review status: criteria provided, single submitter. Criteria: Invitae Variant Classification Sherloc (09022015). Collection method: clinical testing. Allele origin: germline.
Comment: In summary, the available evidence is currently insufficient to determine the role of this variant in disease. Therefore, it has been classified as a Variant of Uncertain Significance. Advanced modeling of protein sequence and biophysical properties (such as structural, functional, and spatial information, amino acid conservation, physicochemical variation, residue mobility, and thermodynamic stability) performed at Invitae indicates that this missense variant is not expected to disrupt CTNNB1 protein function. This variant has not been reported in the literature in individuals affected with CTNNB1-related conditions. This variant is not present in population databases (gnomAD no frequency). This sequence change replaces proline, which is neutral and non-polar, with threonine, which is neutral and polar, at codon 373 of the CTNNB1 protein (p.Pro373Thr).

Blueprint Genetics
Classification: Uncertain significance. Last evaluated: 2021-04-20. Review status: criteria provided, single submitter. Criteria: ACMG Guidelines, 2015. Collection method: clinical testing. Allele origin: germline.